The following is an entry in ClinVar:

ClinVar aggregate classification (germline): Likely pathogenic (1 of 4 stars; one submission).

Conditions:
Dilated cardiomyopathy 1G (CMD1G). Identifiers: Orphanet 154, MedGen C1858763, MONDO:0011400, OMIM 604145.

Submission:

Juno Genomics, Hangzhou Juno Genomics, Inc
Classification: Likely pathogenic for Dilated cardiomyopathy 1G. Review status: criteria provided, single submitter. Criteria: ACMG Guidelines, 2015. Collection method: clinical testing. Allele origin: germline.
Comment: Absent from controls (or at extremely low frequency if recessive) in Genome Aggregation Database.;Null variant in a gene where loss of function (LOF) is a known mechanism of disease.

NM_001267550.2(TTN):c.92927_92939delinsGT (p.Asp30976fs)

Genes: TTN (titin; minus strand), TTN-AS1 (TTN antisense RNA 1; plus strand). Cytogenetic location: 2q31.2.
Variant type: Indel.
Coding change: c.92927_92939delinsGT on transcript NM_001267550.2 (MANE Select); coding-DNA positions 92927 to 92939, ATTCCTTCAGCAC replaced by GT.
Protein change: p.Asp30976fs; shifts the reading frame from aspartic acid 30976.
Molecular consequence: frameshift variant.
Genome position (GRCh38, 1-based): chr2:178,548,687-178,548,699, GTGCTGAAGGAAT replaced by AC on the plus strand (ATTCCTTCAGCAC replaced by GT on the coding strand, the reverse complement: TTN is on the minus strand). VCF-style: chr2-178548687-GTGCTGAAGGAAT-AC. GRCh37 (hg19) VCF-style: chr2-179413414-GTGCTGAAGGAAT-AC.
Other names: c.88004_88016delinsGT, p.Asp29335fs (NM_001256850.1); c.65732_65744delinsGT, p.Asp21911fs (NM_003319.4); c.85223_85235delinsGT, p.Asp28408fs (NM_133378.4); c.66107_66119delinsGT, p.Asp22036fs (NM_133432.3); c.66308_66320delinsGT, p.Asp22103fs (NM_133437.4); short protein forms D21911fs, D22036fs, D22103fs, D28408fs, D29335fs, D30976fs.
Identifiers: ClinVar variation 4796593 (VCV004796593.2).